The following is an entry in ClinVar:

ClinVar aggregate classification (germline): Uncertain significance (1 of 4 stars; one submission).

Submission:

Labcorp Genetics (formerly Invitae), Labcorp
Classification: Uncertain significance. Last evaluated: 2021-06-01. Review status: criteria provided, single submitter. Criteria: Invitae Variant Classification Sherloc (09022015). Collection method: clinical testing. Allele origin: germline.
Comment: In summary, the available evidence is currently insufficient to determine the role of this variant in disease. Therefore, it has been classified as a Variant of Uncertain Significance. Experimental studies and prediction algorithms are not available or were not evaluated, and the functional significance of this variant is currently unknown. This variant has not been reported in the literature in individuals with EIF2B1-related conditions. This variant results in a copy number gain of the genomic region encompassing exon(s) 9 of the EIF2B1 gene. The 5' boundary is likely confined to intron 8. The 3' end of this event is unknown as it extends beyond the assayed region for this gene and therefore may encompass additional genes. As the precise location of this event is unknown, it may be in tandem or it may be located elsewhere in the genome.

NC_000012.11:g.(?_124106303)_(124106487_?)dup

Gene: EIF2B1 (eukaryotic translation initiation factor 2B subunit alpha; minus strand). Cytogenetic location: 12q24.31.
Variant type: Duplication.
Identifiers: ClinVar variation 1399860 (VCV001399860.4).